The following is an entry in ClinVar:

NM_001942.4(DSG1):c.1490A>G (p.Asn497Ser)

Gene: DSG1 (desmoglein 1; plus strand). Cytogenetic location: 18q12.1.
Variant type: single nucleotide variant.
Coding change: c.1490A>G on transcript NM_001942.4 (MANE Select); coding-DNA position 1490, A replaced by G.
Protein change: p.Asn497Ser; replaces asparagine 497 with serine.
Molecular consequence: missense variant.
Genome position (GRCh38, 1-based): chr18:31,339,828, A>G. VCF-style: chr18-31339828-A-G. GRCh37 (hg19) VCF-style: chr18-28919791-A-G.
Other names: short protein forms N497S.
Identifiers: ClinVar variation 2843855 (VCV002843855.3), dbSNP rs2510836237, ClinGen allele CA402137494.

ClinVar aggregate classification (germline): Uncertain significance (1 of 4 stars; one submission).

Submission:

Labcorp Genetics (formerly Invitae), Labcorp
Classification: Uncertain significance. Last evaluated: 2023-04-15. Review status: criteria provided, single submitter. Criteria: Invitae Variant Classification Sherloc (09022015). Collection method: clinical testing. Allele origin: germline.
Comment: In summary, the available evidence is currently insufficient to determine the role of this variant in disease. Therefore, it has been classified as a Variant of Uncertain Significance. Advanced modeling of protein sequence and biophysical properties (such as structural, functional, and spatial information, amino acid conservation, physicochemical variation, residue mobility, and thermodynamic stability) performed at Invitae indicates that this missense variant is not expected to disrupt DSG1 protein function. This variant has not been reported in the literature in individuals affected with DSG1-related conditions. This variant is not present in population databases (gnomAD no frequency). This sequence change replaces asparagine, which is neutral and polar, with serine, which is neutral and polar, at codon 497 of the DSG1 protein (p.Asn497Ser).